The following is an entry in ClinVar:

ClinVar aggregate classification (germline): Pathogenic/Likely pathogenic. Review status: criteria provided, multiple submitters, no conflicts (2 of 4 stars). 2 submissions from 2 submitters: Pathogenic (1); Likely pathogenic (1). Last evaluated 2026-01-25.

Conditions:
Autosomal recessive polycystic kidney disease (ARPKD). Also called: AR polycystic kidney disease. Identifiers: Orphanet 731, Orphanet 8378, MedGen C0085548, MeSH D017044, MONDO:0009889.

Submissions (2):

Labcorp Genetics (formerly Invitae), Labcorp
Classification: Pathogenic for Autosomal recessive polycystic kidney disease. Last evaluated: 2026-01-25. Review status: criteria provided, single submitter. Criteria: Invitae Variant Classification Sherloc (09022015). Collection method: clinical testing. Allele origin: germline.
Comment: This sequence change replaces histidine, which is basic and polar, with arginine, which is basic and polar, at codon 2655 of the PKHD1 protein (p.His2655Arg). This variant is not present in population databases (gnomAD no frequency). This missense change has been observed in individual(s) with autosomal recessive polycystic kidney disease (PMID: 27225849, 33964006). In at least one individual the data is consistent with being in trans (on the opposite chromosome) from a pathogenic variant. ClinVar contains an entry for this variant (Variation ID: 2734901). Invitae Evidence Modeling of protein sequence and biophysical properties (such as structural, functional, and spatial information, amino acid conservation, physicochemical variation, residue mobility, and thermodynamic stability) indicates that this missense variant is expected to disrupt PKHD1 protein function with a positive predictive value of 95%. This variant disrupts the p.His265 amino acid residue in PKHD1. Other variant(s) that disrupt this residue have been determined to be pathogenic (PMID: 26673778, 33059616). This suggests that this residue is clinically significant, and that variants that disrupt this residue are likely to be disease-causing. For these reasons, this variant has been classified as Pathogenic.

Natera, Inc.
Classification: Likely pathogenic for Autosomal recessive polycystic kidney disease. Last evaluated: 2024-11-27. Review status: criteria provided, single submitter. Criteria: Natera Variant Classification Schema (03/2026). Collection method: clinical testing. Allele origin: germline.
Comment: The c.7964A>G variant in PKHD1 is a missense variant predicted to cause substitution of histidine to arginine at amino acid 2655. This variant is rare in the general population with a frequency below the threshold expected for the associated phenotype(s). This variant has been observed in one or more individuals affected with the associated recessive disease, as either homozygous or compound heterozygous with a second variant (PMID: 27225849, 33964006). Computational prediction algorithms indicate this variant is likely to affect gene or protein function. Given the available evidence, this variant is classified as Likely Pathogenic.

Literature cited by the submitters: PubMed 27225849 (cited by Labcorp Genetics (formerly Invitae), Labcorp and Natera, Inc.); PubMed 33964006 (cited by Labcorp Genetics (formerly Invitae), Labcorp and Natera, Inc.); PubMed 26673778 (cited by Labcorp Genetics (formerly Invitae), Labcorp); PubMed 33059616 (cited by Labcorp Genetics (formerly Invitae), Labcorp).

NM_138694.4(PKHD1):c.7964A>G (p.His2655Arg)

Gene: PKHD1 (PKHD1 ciliary IPT domain containing fibrocystin/polyductin; minus strand). Cytogenetic location: 6p12.2.
Variant type: single nucleotide variant.
Coding change: c.7964A>G on transcript NM_138694.4 (MANE Select); coding-DNA position 7964, A replaced by G.
Protein change: p.His2655Arg; replaces histidine 2655 with arginine.
Molecular consequence: missense variant.
Genome position (GRCh38, 1-based): chr6:51,847,918, T>C on the plus strand (A>G on the coding strand, the complement: PKHD1 is on the minus strand). VCF-style: chr6-51847918-T-C. GRCh37 (hg19) VCF-style: chr6-51712716-T-C.
Other names: c.7964A>G (NM_138694.3); c.7964A>G, p.His2655Arg (NM_170724.3); short protein forms H2655R.
Identifiers: ClinVar variation 2734901 (VCV002734901.4), dbSNP rs748196998, ClinGen allele CA364429304.